The following is an entry in ClinVar:

NM_001206979.2(NR1H4):c.558A>T (p.Lys186Asn)

Gene: NR1H4 (nuclear receptor subfamily 1 group H member 4; plus strand). Cytogenetic location: 12q23.1.
Variant type: single nucleotide variant.
Coding change: c.558A>T on transcript NM_001206979.2 (MANE Select); coding-DNA position 558, A replaced by T.
Protein change: p.Lys186Asn; replaces lysine 186 with asparagine.
Molecular consequence: missense variant. On other transcripts: non-coding transcript variant (1), intron variant (1).
Genome position (GRCh38, 1-based): chr12:100,532,570, A>T. VCF-style: chr12-100532570-A-T. GRCh37 (hg19) VCF-style: chr12-100926348-A-T.
Other names: c.558A>T (NM_005123.3); c.558A>T, p.Lys186Asn (NM_001206977.2, NM_005123.4); c.588A>T, p.Lys196Asn (NM_001206992.2, NM_001206993.2); c.446-2320A>T (NM_001206978.2); short protein forms K186N, K196N.
Identifiers: ClinVar variation 3899391 (VCV003899391.3).

ClinVar aggregate classification (germline): Uncertain significance. Review status: criteria provided, multiple submitters, no conflicts (2 of 4 stars). 3 submissions from 3 submitters: Uncertain significance (3). Last evaluated 2025-05-20.

Conditions:
Cholestasis, progressive familial intrahepatic, 5 (PFIC5). Identifiers: Orphanet 480476, MedGen C4310747, MONDO:0014884, OMIM 617049.
NR1H4-related disorder. Also called: NR1H4-related condition.
Inborn genetic diseases. Identifiers: MedGen C0950123, MeSH D030342.

gnomAD v4.1: 73 of 1,614,048 alleles (0.0045%); highest among the groups gnomAD compares: Non-Finnish European, 0.006%; no homozygotes.

Submissions (3):

Department of Human Genetics, Hannover Medical School
Classification: Uncertain significance for Cholestasis, progressive familial intrahepatic, 5. Last evaluated: 2025-05-20. Review status: criteria provided, single submitter. Criteria: ACMG Guidelines, 2015. Collection method: clinical testing. Allele origin: germline. Inheritance: Autosomal recessive inheritance. Affected: yes.
Comment: ACMG: PM2_Supporting, PP3_Moderate

Ambry Genetics
Classification: Uncertain significance for Inborn genetic diseases. Last evaluated: 2025-03-22. Review status: criteria provided, single submitter. Criteria: Ambry Variant Classification Scheme 2023. Collection method: clinical testing. Allele origin: germline.

PreventionGenetics, part of Exact Sciences
Classification: Uncertain significance for NR1H4-related condition. Last evaluated: 2025-01-24. Review status: criteria provided, single submitter. Criteria: ACMG Guidelines, 2015. Collection method: clinical testing. Allele origin: germline.
Comment: The NR1H4 c.558A>T variant is predicted to result in the amino acid substitution p.Lys186Asn. To our knowledge, this variant has not been reported in the literature. This variant is reported in 0.0044% of alleles in individuals of European (Non-Finnish) descent in gnomAD. At this time, the clinical significance of this variant is uncertain due to the absence of conclusive functional and genetic evidence.